The following is an entry in ClinVar:

ClinVar aggregate classification (germline): Benign/Likely benign. Review status: criteria provided, multiple submitters, no conflicts (2 of 4 stars). 3 submissions from 3 submitters: Benign (1); Likely benign (1). 1 of the submissions does not count toward it. Last evaluated 2026-02-02.

Conditions:
ALG13-related disorder. Also called: ALG13-related condition.
Developmental and epileptic encephalopathy, 36 (DEE36). Also called: Congenital disorder of glycosylation, type Is; ALG13-CDG; Epileptic encephalopathy, early infantile, 36. Identifiers: Orphanet 324422, MedGen C4317295, MONDO:0010472, OMIM 300884.

Submissions (3):

Labcorp Genetics (formerly Invitae), Labcorp
Classification: Benign for Developmental and epileptic encephalopathy, 36. Last evaluated: 2026-02-02. Review status: criteria provided, single submitter. Criteria: Invitae Variant Classification Sherloc (09022015). Collection method: clinical testing. Allele origin: germline.

Blueprint Genetics
Classification: Likely benign. Last evaluated: 2024-07-15. Review status: criteria provided, single submitter. Criteria: ACMG Guidelines, 2015. Collection method: clinical testing. Allele origin: germline.

PreventionGenetics, part of Exact Sciences
Classification: Likely benign for ALG13-related condition. Last evaluated: 2023-07-06. Review status: no assertion criteria provided. Collection method: clinical testing. Allele origin: germline. Not counted in ClinVar's aggregate classification.
Comment: This variant is classified as likely benign based on ACMG/AMP sequence variant interpretation guidelines (Richards et al. 2015 PMID: 25741868, with internal and published modifications).

NM_001099922.3(ALG13):c.2754ACC[13] (p.Pro944_Pro945del)

Gene: ALG13 (ALG13 UDP-N-acetylglucosaminyltransferase subunit; plus strand). Cytogenetic location: Xq23.
Variant type: Microsatellite.
Coding change: c.2754ACC[13] on transcript NM_001099922.3 (MANE Select); 13 copies in a row of the 3-base unit ACC starting at c.2754; the reference has 15 copies in a row; two copies, 6 bases deleted.
Protein change: p.Pro944_Pro945del.
Molecular consequence: inframe deletion. On other transcripts: intron variant (5).
Genome position (GRCh38, 1-based): chrX:111,744,765-111,744,770, ACCACC deleted; deleting any 6 consecutive bases within chrX:111,744,726-111,744,770 gives the same sequence; the position shown is the placement nearest the transcript's 3' end. VCF-style (leftmost placement, unchanged base first): chrX-111744725-TACCACC-T. GRCh37 (hg19) VCF-style: chrX-110987953-TACCACC-T.
Other names: c.2793_2798del6 (NM_001099922.2); c.2520ACC[13], p.Pro866_Pro867del (NM_001257231.2); c.2383+7847ACC[13] (NM_001257237.2, NM_001257234.2, NM_001257230.2); c.2209+7847ACC[13] (NM_001324293.1); c.2695+7847ACC[13] (NM_001324292.2).
Identifiers: ClinVar variation 697559 (VCV000697559.14), dbSNP rs750710267, ClinGen allele CA10493968.
Genomic context (GRCh38, chrX:111,744,725, plus strand): 5'-TAGTGATTGCCTCACCATCCTATCCATGCCATTCTGCTATTCCTCATGCTGGTGCCTCTC[TACCACC>T]ACCACCACCACCACCACCACCACCACCACCACCACCACCTCCTCCTCCTCCTCCTCCTCC-3'